The following is an entry in ClinVar:

ClinVar aggregate classification (germline): Conflicting classifications of pathogenicity. Review status: criteria provided, conflicting classifications (1 of 4 stars). 5 submissions from 5 submitters: Uncertain significance (3); Likely benign (2). Last evaluated 2026-03-18.

Conditions:
Inborn genetic diseases. Identifiers: MedGen C0950123, MeSH D030342.

Allele frequency attached by ClinVar (database versions not stated): TOPMed 0.00082; ESP Exome Variant Server 0.00131.
gnomAD v4.1: 2,467 of 1,611,986 alleles (0.15%); highest among the groups gnomAD compares: Non-Finnish European, 0.2%; 2 homozygotes.

Submissions (5):

GeneDx
Classification: Uncertain significance. Last evaluated: 2026-03-18. Review status: criteria provided, single submitter. Criteria: GeneDx Variant Classification Process June 2021. Collection method: clinical testing. Allele origin: germline.
Comment: In silico analysis supports that this missense variant has a deleterious effect on protein structure/function; Has not been previously published as pathogenic or benign to our knowledge

Labcorp Genetics (formerly Invitae), Labcorp
Classification: Likely benign. Last evaluated: 2026-01-20. Review status: criteria provided, single submitter. Criteria: Invitae Variant Classification Sherloc (09022015). Collection method: clinical testing. Allele origin: germline.

Blueprint Genetics
Classification: Uncertain significance. Last evaluated: 2024-10-14. Review status: criteria provided, single submitter. Criteria: ACMG Guidelines, 2015. Collection method: clinical testing. Allele origin: germline.

ARUP Laboratories, Molecular Genetics and Genomics, ARUP Laboratories
Classification: Uncertain significance. Last evaluated: 2024-06-11. Review status: criteria provided, single submitter. Criteria: ARUP Molecular Germline Variant Investigation Process 2024. Collection method: clinical testing. Allele origin: germline.

Ambry Genetics
Classification: Likely benign for Inborn genetic diseases. Last evaluated: 2021-06-25. Review status: criteria provided, single submitter. Criteria: Ambry Variant Classification Scheme 2023. Collection method: clinical testing. Allele origin: germline.

Literature cited by the submitters: PubMed 28518168 (cited by Ambry Genetics); PubMed 32461654 (cited by Ambry Genetics).

NM_000398.7(CYB5R3):c.145G>C (p.Asp49His)

Gene: CYB5R3 (cytochrome b5 reductase 3; minus strand). Cytogenetic location: 22q13.2.
Variant type: single nucleotide variant.
Coding change: c.145G>C on transcript NM_000398.7 (MANE Select); coding-DNA position 145, G replaced by C.
Protein change: p.Asp49His; replaces aspartic acid 49 with histidine.
Molecular consequence: missense variant.
Genome position (GRCh38, 1-based): chr22:42,636,723, C>G on the plus strand (G>C on the coding strand, the complement: CYB5R3 is on the minus strand). VCF-style: chr22-42636723-C-G. GRCh37 (hg19) VCF-style: chr22-43032729-C-G.
Other names: c.76G>C, p.Asp26His (NM_001129819.2, NM_001171661.1, NM_007326.4); c.244G>C, p.Asp82His (NM_001171660.2); c.145G>C (NM_000398.6); short protein forms D26H, D49H, D82H.
Identifiers: ClinVar variation 811208 (VCV000811208.20), dbSNP rs144467449, ClinGen allele CA10269900.